The following is an entry in ClinVar:

ClinVar aggregate classification (germline): Uncertain significance (1 of 4 stars; one submission).

Submission:

Ambry Genetics
Classification: Uncertain significance. Last evaluated: 2025-08-20. Review status: criteria provided, single submitter. Criteria: Ambry Variant Classification Scheme 2023. Collection method: clinical testing. Allele origin: germline.
Comment: The p.Q819H variant (also known as c.2457A>T), located in coding exon 1 of the MLH3 gene, results from an A to T substitution at nucleotide position 2457. The glutamine at codon 819 is replaced by histidine, an amino acid with highly similar properties. This amino acid position is conserved. In addition, this alteration is predicted to be tolerated by in silico analysis. Based on the available evidence, the clinical significance of this variant remains unclear.

NM_001040108.2(MLH3):c.2457A>T (p.Gln819His)

Gene: MLH3 (mutL homolog 3; minus strand). Cytogenetic location: 14q24.3.
Variant type: single nucleotide variant.
Coding change: c.2457A>T on transcript NM_001040108.2 (MANE Select); coding-DNA position 2457, A replaced by T.
Protein change: p.Gln819His; replaces glutamine 819 with histidine.
Molecular consequence: missense variant.
Genome position (GRCh38, 1-based): chr14:75,047,199, T>A on the plus strand (A>T on the coding strand, the complement: MLH3 is on the minus strand). VCF-style: chr14-75047199-T-A. GRCh37 (hg19) VCF-style: chr14-75513902-T-A.
Other names: c.2457A>T, p.Gln819His (NM_014381.3); short protein forms Q819H.
Identifiers: ClinVar variation 4108586 (VCV004108586.1).